The following is an entry in ClinVar:

NM_016507.4(CDK12):c.2047C>T (p.Pro683Ser)

Gene: CDK12 (cyclin dependent kinase 12; plus strand). Cytogenetic location: 17q12.
Variant type: single nucleotide variant.
Coding change: c.2047C>T on transcript NM_016507.4 (MANE Select); coding-DNA position 2047, C replaced by T.
Protein change: p.Pro683Ser; replaces proline 683 with serine.
Molecular consequence: missense variant.
Genome position (GRCh38, 1-based): chr17:39,490,672, C>T. VCF-style: chr17-39490672-C-T. GRCh37 (hg19) VCF-style: chr17-37646925-C-T.
Other names: c.2047C>T, p.Pro683Ser (NM_015083.4); short protein forms P683S.
Identifiers: ClinVar variation 2610635 (VCV002610635.3), dbSNP rs2544604678, ClinGen allele CA398829978.
Genomic context (GRCh38, chr17:39,490,672, plus strand): 5'-CGTCACTTACTCACAGACCTTCCTCTCCCTCCAGAGCTCCCTGGTGGAGATCTGTCTCCC[C>T]CAGACTCTCCAGAACCAAAGGCAATCACACCACCTCAGCAACCATATAAAAAGAGACCAA-3'
Protein context (NP_057591.2, residues 673-693): PELPGGDLSP[Pro683Ser]DSPEPKAITP

ClinVar aggregate classification (germline): Uncertain significance (1 of 4 stars; one submission).

Submission:

Ambry Genetics
Classification: Uncertain significance. Last evaluated: 2025-08-25. Review status: criteria provided, single submitter. Criteria: Ambry Variant Classification Scheme 2023. Collection method: clinical testing. Allele origin: germline.
Comment: The p.P683S variant (also known as c.2047C>T), located in coding exon 3 of the CDK12 gene, results from a C to T substitution at nucleotide position 2047. The proline at codon 683 is replaced by serine, an amino acid with similar properties. This amino acid position is conserved. In addition, this alteration is predicted to be tolerated by in silico analysis. Based on the available evidence, the clinical significance of this variant remains unclear.